The following is an entry in ClinVar:

NM_001365999.1(SZT2):c.8878T>A (p.Phe2960Ile)

Gene: SZT2 (SZT2 subunit of KICSTOR complex; plus strand). Cytogenetic location: 1p34.2.
Variant type: single nucleotide variant.
Coding change: c.8878T>A on transcript NM_001365999.1 (MANE Select); coding-DNA position 8878, T replaced by A.
Protein change: p.Phe2960Ile; replaces phenylalanine 2960 with isoleucine.
Molecular consequence: missense variant.
Genome position (GRCh38, 1-based): chr1:43,445,946, T>A. VCF-style: chr1-43445946-T-A. GRCh37 (hg19) VCF-style: chr1-43911617-T-A.
Other names: c.8707T>A, p.Phe2903Ile (NM_015284.4); short protein forms F2903I, F2960I.
Identifiers: ClinVar variation 1000416 (VCV001000416.10), dbSNP rs375281815, ClinGen allele CA810732.

ClinVar aggregate classification (germline): Uncertain significance (1 of 4 stars; one submission).

Allele frequency attached by ClinVar (database versions not stated): gnomAD exomes below 0.00001; ExAC 0.00001; ESP Exome Variant Server 0.00008.
gnomAD v4.1: 1 of 1,614,176 alleles (0.000062%); highest among the groups gnomAD compares: African/African-American, 0.0013%; no homozygotes.

Submission:

Labcorp Genetics (formerly Invitae), Labcorp
Classification: Uncertain significance. Last evaluated: 2023-12-06. Review status: criteria provided, single submitter. Criteria: Invitae Variant Classification Sherloc (09022015). Collection method: clinical testing. Allele origin: germline.
Comment: This sequence change replaces phenylalanine, which is neutral and non-polar, with isoleucine, which is neutral and non-polar, at codon 2903 of the SZT2 protein (p.Phe2903Ile). This variant is present in population databases (rs375281815, gnomAD 0.007%). This variant has not been reported in the literature in individuals affected with SZT2-related conditions. ClinVar contains an entry for this variant (Variation ID: 1000416). Advanced modeling of protein sequence and biophysical properties (such as structural, functional, and spatial information, amino acid conservation, physicochemical variation, residue mobility, and thermodynamic stability) has been performed at Invitae for this missense variant, however the output from this modeling did not meet the statistical confidence thresholds required to predict the impact of this variant on SZT2 protein function. In summary, the available evidence is currently insufficient to determine the role of this variant in disease. Therefore, it has been classified as a Variant of Uncertain Significance.